The following is an entry in ClinVar:

ClinVar aggregate classification (germline): Uncertain significance. Review status: criteria provided, multiple submitters, no conflicts (2 of 4 stars). 2 submissions from 2 submitters: Uncertain significance (2). Last evaluated 2022-01-02.

Conditions:
Glucocorticoid deficiency with achalasia (AAAS). Also called: Achalasia-addisonianism-alacrimia syndrome; Triple-A syndrome; ALACRIMA-ACHALASIA-ADRENAL INSUFFICIENCY NEUROLOGIC DISORDER; Achalasia-Addisonianism-Alacrima (Triple-A) Syndrome; Alacrima-achalasia-addisonianism; ACTH-resistant adrenal insufficiency, achalasia and alacrima. Identifiers: Orphanet 869, MedGen C0271742, MONDO:0009279, OMIM 231550.

Allele frequency attached by ClinVar (database versions not stated): ExAC 0.00008; gnomAD 0.00009; TOPMed 0.00011; gnomAD exomes 0.00014; ESP Exome Variant Server 0.00023.
gnomAD v4.1: 210 of 1,614,064 alleles (0.013%); highest among the groups gnomAD compares: Non-Finnish European, 0.017%; no homozygotes.

Submissions (2):

Labcorp Genetics (formerly Invitae), Labcorp
Classification: Uncertain significance. Last evaluated: 2022-01-02. Review status: criteria provided, single submitter. Criteria: Invitae Variant Classification Sherloc (09022015). Collection method: clinical testing. Allele origin: germline.
Comment: This sequence change replaces alanine, which is neutral and non-polar, with threonine, which is neutral and polar, at codon 412 of the AAAS protein (p.Ala412Thr). This variant is present in population databases (rs140950308, gnomAD 0.02%). This variant has not been reported in the literature in individuals affected with AAAS-related conditions. Algorithms developed to predict the effect of missense changes on protein structure and function are either unavailable or do not agree on the potential impact of this missense change (SIFT: "Tolerated"; PolyPhen-2: "Probably Damaging"; Align-GVGD: "Class C0"). In summary, the available evidence is currently insufficient to determine the role of this variant in disease. Therefore, it has been classified as a Variant of Uncertain Significance.

Juno Genomics, Hangzhou Juno Genomics, Inc
Classification: Uncertain significance for Glucocorticoid deficiency with achalasia. Review status: criteria provided, single submitter. Criteria: ACMG Guidelines, 2015. Collection method: clinical testing. Allele origin: germline.
Comment: Absent from controls (or at extremely low frequency if recessive) in Genome Aggregation Database.;Multiple lines of computational evidence support a deleterious effect on the gene or gene product.

NM_015665.6(AAAS):c.1234G>A (p.Ala412Thr)

Gene: AAAS (aladin WD repeat nucleoporin; minus strand). Cytogenetic location: 12q13.13.
Variant type: single nucleotide variant.
Coding change: c.1234G>A on transcript NM_015665.6 (MANE Select); coding-DNA position 1234, G replaced by A.
Protein change: p.Ala412Thr; replaces alanine 412 with threonine.
Molecular consequence: missense variant.
Genome position (GRCh38, 1-based): chr12:53,308,297, C>T on the plus strand (G>A on the coding strand, the complement: AAAS is on the minus strand). VCF-style: chr12-53308297-C-T. GRCh37 (hg19) VCF-style: chr12-53702081-C-T.
Other names: c.1135G>A, p.Ala379Thr (NM_001173466.2); short protein forms A412T, A379T.
Identifiers: ClinVar variation 2182480 (VCV002182480.3), dbSNP rs140950308, ClinGen allele CA6598927.
Genomic context (GRCh38, chr12:53,308,297, plus strand): 5'-CTGGGAAGATGGCTGTGGGCTGAGCCCTTCATCCTTGCCTCTCACCTTTCATAAGCACAG[C>T]CAGACGTTCCCCACTGGGGTCCCAGACCATGGAGTGAGCCTCTCCCCCAAGCCTGTGGGT-3'
Protein context (NP_056480.1, residues 402-422): MVWDPSGERL[Ala412Thr]VLMKGKPRVQ